The following is an entry in ClinVar:

NM_025248.3(SRCIN1):c.14C>A (p.Pro5Gln)

Gene: SRCIN1 (SRC kinase signaling inhibitor 1; minus strand). Cytogenetic location: 17q12.
Variant type: single nucleotide variant.
Coding change: c.14C>A on transcript NM_025248.3 (MANE Select); coding-DNA position 14, C replaced by A.
Protein change: p.Pro5Gln; replaces proline 5 with glutamine.
Molecular consequence: missense variant.
Genome position (GRCh38, 1-based): chr17:38,605,692, G>T on the plus strand (C>A on the coding strand, the complement: SRCIN1 is on the minus strand). VCF-style: chr17-38605692-G-T. GRCh37 (hg19) VCF-style: chr17-36761945-G-T.
Other names: short protein forms P5Q.
Identifiers: ClinVar variation 2344787 (VCV002344787.3), dbSNP rs202156821, ClinGen allele CA8523635.

ClinVar aggregate classification (germline): Uncertain significance (1 of 4 stars; one submission).

Allele frequency attached by ClinVar (database versions not stated): TOPMed 0.00049; ExAC 0.00057.
gnomAD v4.1: 1,291 of 1,272,392 alleles (0.1%); highest among the groups gnomAD compares: Non-Finnish European, 0.12%; 1 homozygote.

Submission:

Ambry Genetics
Classification: Uncertain significance. Last evaluated: 2024-07-05. Review status: criteria provided, single submitter. Criteria: Ambry Variant Classification Scheme 2023. Collection method: clinical testing. Allele origin: germline.
Comment: The c.14C>A (p.P5Q) alteration is located in exon (coding exon ) of the SRCIN1 gene. This alteration results from a C to A substitution at nucleotide position 14, causing the proline (P) at amino acid position 5 to be replaced by a glutamine (Q). Based on insufficient or conflicting evidence, the clinical significance of this alteration remains unclear.